The following is an entry in ClinVar:

NM_000321.3(RB1):c.703C>T (p.Leu235Phe)

Gene: RB1 (RB transcriptional corepressor 1; plus strand). Cytogenetic location: 13q14.2.
Variant type: single nucleotide variant.
Coding change: c.703C>T on transcript NM_000321.3 (MANE Select); coding-DNA position 703, C replaced by T.
Protein change: p.Leu235Phe; replaces leucine 235 with phenylalanine.
Molecular consequence: missense variant.
Genome position (GRCh38, 1-based): chr13:48,360,112, C>T. VCF-style: chr13-48360112-C-T. GRCh37 (hg19) VCF-style: chr13-48934248-C-T.
Other names: c.703C>T, p.Leu235Phe (NM_001407165.1, NM_001407166.1); short protein forms L235F.
Identifiers: ClinVar variation 1756826 (VCV001756826.6), dbSNP rs1952626166, ClinGen allele CA388158581.

ClinVar aggregate classification (germline): Uncertain significance. Review status: criteria provided, multiple submitters, no conflicts (2 of 4 stars). 2 submissions from 2 submitters: Uncertain significance (2). Last evaluated 2024-09-01.

Conditions:
Hereditary cancer-predisposing syndrome. Also called: Neoplastic Syndromes, Hereditary; Tumor predisposition; Hereditary Cancer Syndrome; Hereditary neoplastic syndrome. Identifiers: Orphanet 140162, MedGen C0027672, MeSH D009386, MONDO:0015356.
Retinoblastoma (RB1). Also called: RETINOBLASTOMA, SOMATIC. Identifiers: Orphanet 790, MedGen C0035335, MeSH D012175, MONDO:0008380, OMIM 180200, HP:0009919. Disease mechanism: loss of function. Inheritance: Both sporadic and heritable forms are tested..

Allele frequency attached by ClinVar (database versions not stated): TOPMed below 0.00001.

Submissions (2):

Ambry Genetics
Classification: Uncertain significance for Hereditary cancer-predisposing syndrome. Last evaluated: 2024-09-01. Review status: criteria provided, single submitter. Criteria: Ambry Variant Classification Scheme 2023. Collection method: clinical testing. Allele origin: germline.
Comment: The p.L235F variant (also known as c.703C>T), located in coding exon 7 of the RB1 gene, results from a C to T substitution at nucleotide position 703. The leucine at codon 235 is replaced by phenylalanine, an amino acid with highly similar properties. This amino acid position is conserved. In addition, the in silico prediction for this alteration is inconclusive. Since supporting evidence is limited at this time, the clinical significance of this alteration remains unclear.

Labcorp Genetics (formerly Invitae), Labcorp
Classification: Uncertain significance for Retinoblastoma. Last evaluated: 2024-05-16. Review status: criteria provided, single submitter. Criteria: Invitae Variant Classification Sherloc (09022015). Collection method: clinical testing. Allele origin: germline.
Comment: This sequence change replaces leucine, which is neutral and non-polar, with phenylalanine, which is neutral and non-polar, at codon 235 of the RB1 protein (p.Leu235Phe). This variant is not present in population databases (gnomAD no frequency). This variant has not been reported in the literature in individuals affected with RB1-related conditions. ClinVar contains an entry for this variant (Variation ID: 1756826). Advanced modeling of protein sequence and biophysical properties (such as structural, functional, and spatial information, amino acid conservation, physicochemical variation, residue mobility, and thermodynamic stability) performed at Invitae indicates that this missense variant is expected to disrupt RB1 protein function with a positive predictive value of 80%. In summary, the available evidence is currently insufficient to determine the role of this variant in disease. Therefore, it has been classified as a Variant of Uncertain Significance.